The following is an entry in ClinVar:

ClinVar aggregate classification (germline): Pathogenic/Likely pathogenic. Review status: criteria provided, multiple submitters, no conflicts (2 of 4 stars). 2 submissions from 2 submitters: Pathogenic (1); Likely pathogenic (1). Last evaluated 2024-01-23.

Conditions:
Peroxisome biogenesis disorder 1A (Zellweger) (PBD1A). Also called: Peroxisome biogenesis disorder 1a; Zellweger leukodystrophy. Identifiers: MedGen C4721541, MONDO:0008953, OMIM 214100.
Heimler syndrome 1 (HMLR1). Also called: PEROXISOME BIOGENESIS DISORDER 1C. Identifiers: Orphanet 3220, MedGen C4551980, OMIM 234580, MONDO:0024544.
Peroxisome biogenesis disorder 1B (PBD1B). Also called: PEROXISOME BIOGENESIS DISORDER (NEONATAL ADRENOLEUKODYSTROPHY/INFANTILE REFSUM DISEASE); INFANTILE PHYTANIC ACID STORAGE DISEASE; PEROXISOME BIOGENESIS DISORDER (NALD/IRD); ADRENOLEUKODYSTROPHY, AUTOSOMAL NEONATAL; Refsum disease, infantile form; Infantile Refsum disease. Identifiers: Orphanet 44, MedGen C0282527, MONDO:0011101, OMIM 601539.
Zellweger spectrum disorders (ZS). Also called: Zellweger syndrome; Zellweger Spectrum Disorder (ZSD); Zellweger Spectrum Disorder; Zellweger Spectrum. Identifiers: Orphanet 912, MedGen C0043459, MONDO:0019609.

Submissions (2):

Fulgent Genetics
Classification: Likely pathogenic for Peroxisome biogenesis disorder 1A (Zellweger); Heimler syndrome 1; Peroxisome biogenesis disorder 1B. Last evaluated: 2024-01-23. Review status: criteria provided, single submitter. Criteria: ACMG Guidelines, 2015. Collection method: clinical testing. Allele origin: germline.

Labcorp Genetics (formerly Invitae), Labcorp
Classification: Pathogenic for Zellweger spectrum disorders. Last evaluated: 2023-11-24. Review status: criteria provided, single submitter. Criteria: Invitae Variant Classification Sherloc (09022015). Collection method: clinical testing. Allele origin: germline.
Comment: This sequence change creates a premature translational stop signal (p.Thr181Lysfs*14) in the PEX1 gene. It is expected to result in an absent or disrupted protein product. Loss-of-function variants in PEX1 are known to be pathogenic (PMID: 21031596, 26387595, 31831025). This variant is not present in population databases (gnomAD no frequency). This variant has not been reported in the literature in individuals affected with PEX1-related conditions. ClinVar contains an entry for this variant (Variation ID: 1442533). For these reasons, this variant has been classified as Pathogenic.

Literature cited by the submitters: PubMed 21031596 (cited by Labcorp Genetics (formerly Invitae), Labcorp); PubMed 26387595 (cited by Labcorp Genetics (formerly Invitae), Labcorp); PubMed 31831025 (cited by Labcorp Genetics (formerly Invitae), Labcorp).

NM_000466.3(PEX1):c.538_541dup (p.Thr181fs)

Gene: PEX1 (peroxisomal biogenesis factor 1; minus strand). Cytogenetic location: 7q21.2.
Variant type: Duplication.
Coding change: c.538_541dup on transcript NM_000466.3 (MANE Select); coding-DNA positions 538 to 541, 4 bases duplicated (AAGA; older notation c.538_541dupAAGA).
Protein change: p.Thr181fs; shifts the reading frame from threonine 181.
Molecular consequence: frameshift variant. On other transcripts: 5 prime UTR variant (1).
Genome position (GRCh38, 1-based): chr7:92,517,974-92,517,977, TCTT duplicated on the plus strand (AAGA on the coding strand, the reverse complement: PEX1 is on the minus strand); duplicating any 4 consecutive bases within chr7:92,517,974-92,517,978 gives the same sequence; the c. name uses the placement nearest the transcript's 3' end. VCF-style (leftmost placement, unchanged base first): chr7-92517973-G-GTCTT. GRCh37 (hg19) VCF-style: chr7-92147287-G-GTCTT.
Other names: c.538_541dup, p.Thr181fs (NM_001282677.2); c.-87_-84dup (NM_001282678.2); short protein forms T181fs.
Identifiers: ClinVar variation 1442533 (VCV001442533.7), dbSNP rs1792878019, ClinGen allele CA1725948203.
Genomic context (GRCh38, chr7:92,517,973, plus strand): 5'-CTATGAAGTTTTTTATATTCAGCATCAGCTTTTGAAAATGTATTCTCTTTGGCTCGGCGT[G>GTCTT]TCTTTGGCTGAATAAGGAGTTTGGTGTCAGTTTCCAGCCTTCCATAAGAGGCAGCTGGTA-3'